The following is an entry in ClinVar:

NM_000459.5(TEK):c.1624+2T>A

Gene: TEK (TEK receptor tyrosine kinase; plus strand). Cytogenetic location: 9p21.2.
Variant type: single nucleotide variant.
Coding change: c.1624+2T>A on transcript NM_000459.5 (MANE Select); the canonical splice donor site of the intron after coding-DNA position 1624, T replaced by A.
Molecular consequence: splice donor variant.
Genome position (GRCh38, 1-based): chr9:27,192,625, T>A. VCF-style: chr9-27192625-T-A. GRCh37 (hg19) VCF-style: chr9-27192623-T-A.
Other names: c.1495+2T>A (NM_001290077.2, NM_001375476.1); c.1183+2T>A (NM_001290078.2); c.1624+2T>A (NM_001375475.1).
Identifiers: ClinVar variation 1066433 (VCV001066433.7), dbSNP rs1043662739, ClinGen allele CA191287761.

ClinVar aggregate classification (germline): Likely pathogenic (1 of 4 stars; one submission).

Submission:

Labcorp Genetics (formerly Invitae), Labcorp
Classification: Likely pathogenic. Last evaluated: 2022-10-21. Review status: criteria provided, single submitter. Criteria: Invitae Variant Classification Sherloc (09022015). Collection method: clinical testing. Allele origin: germline.
Comment: In summary, the currently available evidence indicates that the variant is pathogenic, but additional data are needed to prove that conclusively. Therefore, this variant has been classified as Likely Pathogenic. Algorithms developed to predict the effect of sequence changes on RNA splicing suggest that this variant may disrupt the consensus splice site. ClinVar contains an entry for this variant (Variation ID: 1066433). This variant has not been reported in the literature in individuals affected with TEK-related conditions. This variant is not present in population databases (gnomAD no frequency). This sequence change affects a donor splice site in intron 11 of the TEK gene. It is expected to disrupt RNA splicing. Variants that disrupt the donor or acceptor splice site typically lead to a loss of protein function (PMID: 16199547), and loss-of-function variants in TEK are known to be pathogenic (PMID: 27270174).

Literature cited by the submitters: PubMed 16199547; PubMed 27270174.